The following is an entry in ClinVar:

NM_001349253.2(SCN11A):c.4171C>T (p.Pro1391Ser)

Gene: SCN11A (sodium voltage-gated channel alpha subunit 11; minus strand). Cytogenetic location: 3p22.2.
Variant type: single nucleotide variant.
Coding change: c.4171C>T on transcript NM_001349253.2 (MANE Select); coding-DNA position 4171, C replaced by T.
Protein change: p.Pro1391Ser; replaces proline 1391 with serine.
Molecular consequence: missense variant.
Genome position (GRCh38, 1-based): chr3:38,850,637, G>A on the plus strand (C>T on the coding strand, the complement: SCN11A is on the minus strand). VCF-style: chr3-38850637-G-A. GRCh37 (hg19) VCF-style: chr3-38892128-G-A.
Other names: c.4171C>T, p.Pro1391Ser (NM_014139.3); short protein forms P1391S.
Identifiers: ClinVar variation 2923683 (VCV002923683.3), dbSNP rs751361482, ClinGen allele CA352165578.

ClinVar aggregate classification (germline): Uncertain significance (1 of 4 stars; one submission).

Conditions:
Familial episodic pain syndrome with predominantly lower limb involvement. Also called: Episodic pain syndrome, familial, 3. Identifiers: Orphanet 391384, Orphanet 391392, MedGen C3809899, MONDO:0014247, OMIM 615552.
Hereditary sensory and autonomic neuropathy type 7. Also called: Neuropathy, hereditary sensory and autonomic, type VII; HSAN VII. Identifiers: Orphanet 391397, MedGen C3809882, MONDO:0014244, OMIM 615548.

gnomAD v4.1: 2 of 1,613,932 alleles (0.00012%); highest among the groups gnomAD compares: Non-Finnish European, 0.00017%; no homozygotes.

Submission:

Labcorp Genetics (formerly Invitae), Labcorp
Classification: Uncertain significance for Familial episodic pain syndrome with predominantly lower limb involvement; Hereditary sensory and autonomic neuropathy type 7. Last evaluated: 2023-12-06. Review status: criteria provided, single submitter. Criteria: Invitae Variant Classification Sherloc (09022015). Collection method: clinical testing. Allele origin: germline.
Comment: This sequence change replaces proline, which is neutral and non-polar, with serine, which is neutral and polar, at codon 1391 of the SCN11A protein (p.Pro1391Ser). This variant is not present in population databases (gnomAD no frequency). This variant has not been reported in the literature in individuals affected with SCN11A-related conditions. Advanced modeling of protein sequence and biophysical properties (such as structural, functional, and spatial information, amino acid conservation, physicochemical variation, residue mobility, and thermodynamic stability) performed at Invitae indicates that this missense variant is not expected to disrupt SCN11A protein function with a negative predictive value of 80%. In summary, the available evidence is currently insufficient to determine the role of this variant in disease. Therefore, it has been classified as a Variant of Uncertain Significance.